The following is an entry in ClinVar:

ClinVar aggregate classification (germline): Uncertain significance (1 of 4 stars; one submission).

Conditions:
Encephalopathy, acute, infection-induced (herpes-specific), susceptibility to, 1. Also called: Herpes simplex encephalitis, susceptibility to, 1. Identifiers: Orphanet 1930, MedGen C2750180, MONDO:0024563, OMIM 610551.

Submission:

Labcorp Genetics (formerly Invitae), Labcorp
Classification: Uncertain significance for Encephalopathy, acute, infection-induced (herpes-specific), susceptibility to, 1. Last evaluated: 2018-08-01. Review status: criteria provided, single submitter. Criteria: Invitae Variant Classification Sherloc (09022015). Collection method: clinical testing. Allele origin: germline.
Comment: This variant is not present in population databases (ExAC no frequency). This sequence change creates a premature translational stop signal (p.Asn196Ilefs*4) in the TLR3 gene. It is expected to result in an absent or disrupted protein product. This variant has not been reported in the literature in individuals with TLR3-related disease. The current clinical and genetic evidence is not sufficient to establish whether loss-of-function variants in TLR3 cause disease. In summary, the available evidence is currently insufficient to determine the role of this variant in disease. Therefore, it has been classified as a Variant of Uncertain Significance.

NM_003265.3(TLR3):c.585del (p.Asn196fs)

Gene: TLR3 (toll like receptor 3; plus strand). Cytogenetic location: 4q35.1.
Variant type: Deletion.
Coding change: c.585del on transcript NM_003265.3 (MANE Select); coding-DNA position 585, one base deleted (C; older notation c.585delC).
Protein change: p.Asn196fs; shifts the reading frame from asparagine 196.
Molecular consequence: frameshift variant.
Genome position (GRCh38, 1-based): chr4:186,078,983, C deleted; the last of 2 consecutive C bases (chr4:186,078,982-186,078,983); deleting either gives the same sequence. VCF-style (leftmost placement, unchanged base first): chr4-186078981-GC-G. GRCh37 (hg19) VCF-style: chr4-187000135-GC-G.
Other names: c.585delC (NM_003265.2); short protein forms N196fs.
Identifiers: ClinVar variation 660033 (VCV000660033.7), dbSNP rs1219003162, ClinGen allele CA792327171.